The following is an entry in ClinVar:

ClinVar aggregate classification (germline): Uncertain significance. Review status: criteria provided, multiple submitters, no conflicts (2 of 4 stars). 2 submissions from 2 submitters: Uncertain significance (2). Last evaluated 2025-06-03.

Conditions:
Giant axonal neuropathy 1 (GAN1). Also called: GIANT AXONAL NEUROPATHY 1, AUTOSOMAL RECESSIVE; GAN-Related Neurodegeneration. Identifiers: Orphanet 643, MedGen C1850386, MONDO:0009749, OMIM 256850.
Inborn genetic diseases. Identifiers: MedGen C0950123, MeSH D030342.

Allele frequency attached by ClinVar (database versions not stated): gnomAD exomes below 0.00001; gnomAD 0.00003.
gnomAD v4.1: 5 of 1,613,746 alleles (0.00031%); highest among the groups gnomAD compares: African/African-American, 0.0067%; no homozygotes.

Submissions (2):

Ambry Genetics
Classification: Uncertain significance for Inborn genetic diseases. Last evaluated: 2025-06-03. Review status: criteria provided, single submitter. Criteria: Ambry Variant Classification Scheme 2023. Collection method: clinical testing. Allele origin: germline.

Labcorp Genetics (formerly Invitae), Labcorp
Classification: Uncertain significance for Giant axonal neuropathy 1. Last evaluated: 2022-01-26. Review status: criteria provided, single submitter. Criteria: Invitae Variant Classification Sherloc (09022015). Collection method: clinical testing. Allele origin: germline.
Comment: In summary, the available evidence is currently insufficient to determine the role of this variant in disease. Therefore, it has been classified as a Variant of Uncertain Significance. This sequence change replaces glutamine, which is neutral and polar, with leucine, which is neutral and non-polar, at codon 234 of the GAN protein (p.Gln234Leu). This variant is present in population databases (no rsID available, gnomAD 0.007%). This variant has not been reported in the literature in individuals affected with GAN-related conditions. Algorithms developed to predict the effect of missense changes on protein structure and function (SIFT, PolyPhen-2, Align-GVGD) all suggest that this variant is likely to be tolerated.

NM_022041.4(GAN):c.701A>T (p.Gln234Leu)

Gene: GAN (gigaxonin; plus strand). Cytogenetic location: 16q23.2.
Variant type: single nucleotide variant.
Coding change: c.701A>T on transcript NM_022041.4 (MANE Select); coding-DNA position 701, A replaced by T.
Protein change: p.Gln234Leu; replaces glutamine 234 with leucine.
Molecular consequence: missense variant.
Genome position (GRCh38, 1-based): chr16:81,356,852, A>T. VCF-style: chr16-81356852-A-T. GRCh37 (hg19) VCF-style: chr16-81390457-A-T.
Other names: c.701A>T (NM_022041.3); c.62A>T, p.Gln21Leu (NM_001377486.1); short protein forms Q21L, Q234L.
Identifiers: ClinVar variation 1387799 (VCV001387799.8), dbSNP rs1323162015, ClinGen allele CA396870990.